The following is an entry in ClinVar:

ClinVar aggregate classification (germline): Uncertain significance (1 of 4 stars; one submission).

Allele frequency attached by ClinVar (database versions not stated): gnomAD exomes 0.00001 and 0.00002; ExAC 0.00002; gnomAD 0.00002 and 0.00003; TOPMed 0.00006.
gnomAD v4.1: 10 of 1,208,195 alleles (0.00083%); highest among the groups gnomAD compares: African/African-American, 0.011%; no homozygotes.

Submission:

Labcorp Genetics (formerly Invitae), Labcorp
Classification: Uncertain significance. Last evaluated: 2024-10-21. Review status: criteria provided, single submitter. Criteria: Invitae Variant Classification Sherloc (09022015). Collection method: clinical testing. Allele origin: germline.
Comment: This sequence change replaces arginine, which is basic and polar, with tryptophan, which is neutral and slightly polar, at codon 1397 of the CACNA1F protein (p.Arg1397Trp). This variant is present in population databases (rs782428223, gnomAD 0.02%). This variant has not been reported in the literature in individuals affected with CACNA1F-related conditions. ClinVar contains an entry for this variant (Variation ID: 1006419). Invitae Evidence Modeling of protein sequence and biophysical properties (such as structural, functional, and spatial information, amino acid conservation, physicochemical variation, residue mobility, and thermodynamic stability) indicates that this missense variant is not expected to disrupt CACNA1F protein function with a negative predictive value of 80%. In summary, the available evidence is currently insufficient to determine the role of this variant in disease. Therefore, it has been classified as a Variant of Uncertain Significance.

NM_001256789.3(CACNA1F):c.4156C>T (p.Arg1386Trp)

Gene: CACNA1F (calcium voltage-gated channel subunit alpha1 F; minus strand). Cytogenetic location: Xp11.23.
Variant type: single nucleotide variant.
Coding change: c.4156C>T on transcript NM_001256789.3 (MANE Select); coding-DNA position 4156, C replaced by T.
Protein change: p.Arg1386Trp; replaces arginine 1386 with tryptophan.
Molecular consequence: missense variant.
Genome position (GRCh38, 1-based): chrX:49,211,426, G>A on the plus strand (C>T on the coding strand, the complement: CACNA1F is on the minus strand). VCF-style: chrX-49211426-G-A. GRCh37 (hg19) VCF-style: chrX-49067886-G-A.
Other names: c.3994C>T, p.Arg1332Trp (NM_001256790.3); c.4189C>T, p.Arg1397Trp (NM_005183.4); short protein forms R1332W, R1386W, R1397W.
Identifiers: ClinVar variation 1006419 (VCV001006419.8), dbSNP rs782428223, ClinGen allele CA10410252.